The following is an entry in ClinVar:

ClinVar aggregate classification (germline): Uncertain significance (1 of 4 stars; one submission).

gnomAD v4.1: 1 of 1,609,302 alleles (0.000062%); highest among the groups gnomAD compares: South Asian, 0.0011%; no homozygotes.

Submission:

Labcorp Genetics (formerly Invitae), Labcorp
Classification: Uncertain significance. Last evaluated: 2024-03-25. Review status: criteria provided, single submitter. Criteria: Invitae Variant Classification Sherloc (09022015). Collection method: clinical testing. Allele origin: germline.
Comment: This sequence change disrupts the translational stop signal of the CTNNA1 mRNA. It is expected to extend the length of the CTNNA1 protein by 41 additional amino acid residues. This variant is not present in population databases (gnomAD no frequency). This variant has not been reported in the literature in individuals affected with CTNNA1-related conditions. Experimental studies and prediction algorithms are not available or were not evaluated, and the functional significance of this variant is currently unknown. In summary, the available evidence is currently insufficient to determine the role of this variant in disease. Therefore, it has been classified as a Variant of Uncertain Significance.

NM_001903.5(CTNNA1):c.2721A>C (p.Ter907Tyr)

Gene: CTNNA1 (catenin alpha 1; plus strand). Cytogenetic location: 5q31.2.
Variant type: single nucleotide variant.
Coding change: c.2721A>C on transcript NM_001903.5 (MANE Select); coding-DNA position 2721, A replaced by C.
Protein change: p.Ter907Tyr.
Molecular consequence: stop lost. On other transcripts: 3 prime UTR variant (5).
Genome position (GRCh38, 1-based): chr5:138,934,089, A>C. VCF-style: chr5-138934089-A-C. GRCh37 (hg19) VCF-style: chr5-138269778-A-C.
Other names: c.1611A>C, p.Ter537Tyr (NM_001323994.1, NM_001323995.1, NM_001323996.1 and 12 more transcripts); c.1476A>C, p.Ter492Tyr (NM_001324001.1); c.*266A>C (NM_001324002.1, NM_001324003.1, NM_001324004.1 and 2 more transcripts); c.1272A>C, p.Ter424Tyr (NM_001324006.1, NM_001324007.1, NM_001324008.1 and 2 more transcripts); c.1518A>C, p.Ter506Tyr (NM_001324011.1); c.1368A>C, p.Ter456Tyr (NM_001324012.1, NM_001324013.1); c.2412A>C, p.Ter804Tyr (NM_001290309.3); c.2352A>C, p.Ter784Tyr (NM_001290310.3); and 3 more.
Identifiers: ClinVar variation 3647532 (VCV003647532.2).